The following is an entry in ClinVar:

NM_003482.4(KMT2D):c.8471C>T (p.Thr2824Ile)

Gene: KMT2D (lysine methyltransferase 2D; minus strand). Cytogenetic location: 12q13.12.
Variant type: single nucleotide variant.
Coding change: c.8471C>T on transcript NM_003482.4 (MANE Select); coding-DNA position 8471, C replaced by T.
Protein change: p.Thr2824Ile; replaces threonine 2824 with isoleucine.
Molecular consequence: missense variant.
Genome position (GRCh38, 1-based): chr12:49,038,885, G>A on the plus strand (C>T on the coding strand, the complement: KMT2D is on the minus strand). VCF-style: chr12-49038885-G-A. GRCh37 (hg19) VCF-style: chr12-49432668-G-A.
Other names: short protein forms T2824I.
Identifiers: ClinVar variation 4989976 (VCV004989976.1).

ClinVar aggregate classification (germline): Uncertain significance (1 of 4 stars; one submission).

Conditions:
KMT2D-related disorder. Also called: KMT2D-Related Disorders.

gnomAD v4.1: 1 of 1,551,798 alleles (0.000064%); highest among the groups gnomAD compares: African/African-American, 0.0014%; no homozygotes.

Submission:

PreventionGenetics, part of Exact Sciences
Classification: Uncertain significance for KMT2D-related condition. Last evaluated: 2024-10-11. Review status: criteria provided, single submitter. Criteria: ACMG Guidelines, 2015. Collection method: clinical testing. Allele origin: germline.
Comment: The KMT2D c.8471C>T variant is predicted to result in the amino acid substitution p.Thr2824Ile. To our knowledge, this variant has not been reported in the literature or in a large population database (gnomAD), indicating this variant is rare. At this time, the clinical significance of this variant is uncertain due to the absence of conclusive functional and genetic evidence.